The following is an entry in ClinVar:

NM_004304.5(ALK):c.1583C>T (p.Ala528Val)

Gene: ALK (ALK receptor tyrosine kinase; minus strand). Cytogenetic location: 2p23.2.
Variant type: single nucleotide variant.
Coding change: c.1583C>T on transcript NM_004304.5 (MANE Select); coding-DNA position 1583, C replaced by T.
Protein change: p.Ala528Val; replaces alanine 528 with valine.
Molecular consequence: missense variant.
Genome position (GRCh38, 1-based): chr2:29,318,368, G>A on the plus strand (C>T on the coding strand, the complement: ALK is on the minus strand). VCF-style: chr2-29318368-G-A. GRCh37 (hg19) VCF-style: chr2-29541234-G-A.
Other names: c.1583C>T (NM_004304.4); short protein forms A528V.
Identifiers: ClinVar variation 3723354 (VCV003723354.3).
Genomic context (GRCh38, chr2:29,318,368, plus strand): 5'-CATGGAGAGCTCTTGATCGGTGCAGGAAACGTAGCACTGGTCACTGTAGCACTTTCAGAA[G>A]CGGGGACATCAGTGGTACTGAGCAATAGAGCATGGTCTAGGAGAGAGGAAAAGAATCACA-3'
Protein context (NP_004295.2, residues 518-538): ALLLSTTDVP[Ala528Val]SESATVTSAT

ClinVar aggregate classification (germline): Uncertain significance. Review status: criteria provided, multiple submitters, no conflicts (2 of 4 stars). 2 submissions from 2 submitters: Uncertain significance (2). Last evaluated 2026-08-03.

Conditions:
Hereditary cancer-predisposing syndrome. Also called: Tumor predisposition; Hereditary neoplastic syndrome; Hereditary Cancer Syndrome; Neoplastic Syndromes, Hereditary. Identifiers: Orphanet 140162, MedGen C0027672, MeSH D009386, MONDO:0015356.
Neuroblastoma, susceptibility to, 3. Also called: ALK-Related Neuroblastic Tumor Susceptibility. Identifiers: Orphanet 635, MedGen C2751681, MONDO:0013083, OMIM 613014.

gnomAD v4.1: 1 of 1,613,990 alleles (0.000062%); highest among the groups gnomAD compares: South Asian, 0.0011%; no homozygotes.

Submissions (2):

Ambry Genetics
Classification: Uncertain significance for Hereditary cancer-predisposing syndrome. Last evaluated: 2026-08-03. Review status: criteria provided, single submitter. Criteria: Ambry Variant Classification Scheme 2023. Collection method: clinical testing. Allele origin: germline.
Comment: The p.A528V variant (also known as c.1583C>T), located in coding exon 8 of the ALK gene, results from a C to T substitution at nucleotide position 1583. The alanine at codon 528 is replaced by valine, an amino acid with similar properties. This amino acid position is conserved. In addition, this alteration is predicted to be tolerated by in silico analysis. Based on the available evidence, the clinical significance of this variant remains unclear.

Labcorp Genetics (formerly Invitae), Labcorp
Classification: Uncertain significance for Neuroblastoma, susceptibility to, 3. Last evaluated: 2024-10-21. Review status: criteria provided, single submitter. Criteria: Invitae Variant Classification Sherloc (09022015). Collection method: clinical testing. Allele origin: germline.
Comment: This sequence change replaces alanine, which is neutral and non-polar, with valine, which is neutral and non-polar, at codon 528 of the ALK protein (p.Ala528Val). This variant is present in population databases (rs756811472, gnomAD 0.003%). This variant has not been reported in the literature in individuals affected with ALK-related conditions. An algorithm developed to predict the effect of missense changes on protein structure and function (PolyPhen-2) suggests that this variant is likely to be tolerated. In summary, the available evidence is currently insufficient to determine the role of this variant in disease. Therefore, it has been classified as a Variant of Uncertain Significance.